The following is an entry in ClinVar:

NM_001184.4(ATR):c.4235G>A (p.Arg1412Gln)

Gene: ATR (ATR checkpoint kinase; minus strand). Cytogenetic location: 3q23.
Variant type: single nucleotide variant.
Coding change: c.4235G>A on transcript NM_001184.4 (MANE Select); coding-DNA position 4235, G replaced by A.
Protein change: p.Arg1412Gln; replaces arginine 1412 with glutamine.
Molecular consequence: missense variant.
Genome position (GRCh38, 1-based): chr3:142,522,759, C>T on the plus strand (G>A on the coding strand, the complement: ATR is on the minus strand). VCF-style: chr3-142522759-C-T. GRCh37 (hg19) VCF-style: chr3-142241601-C-T.
Other names: c.4043G>A, p.Arg1348Gln (NM_001354579.2); c.4235G>A (NM_001184.3); short protein forms R1348Q, R1412Q.
Identifiers: ClinVar variation 1413969 (VCV001413969.7), dbSNP rs371292374, ClinGen allele CA2649900.

ClinVar aggregate classification (germline): Uncertain significance. Review status: criteria provided, multiple submitters, no conflicts (2 of 4 stars). 2 submissions from 2 submitters: Uncertain significance (2). Last evaluated 2023-11-24.

Conditions:
Inborn genetic diseases. Identifiers: MedGen C0950123, MeSH D030342.

Allele frequency attached by ClinVar (database versions not stated): ExAC 0.00001; gnomAD 0.00001; gnomAD exomes 0.00001 and 0.00002; TOPMed 0.00002; ESP Exome Variant Server 0.00008.
gnomAD v4.1: 31 of 1,613,456 alleles (0.0019%); highest among the groups gnomAD compares: African/African-American, 0.004%; no homozygotes.

Submissions (2):

Labcorp Genetics (formerly Invitae), Labcorp
Classification: Uncertain significance. Last evaluated: 2023-11-24. Review status: criteria provided, single submitter. Criteria: Invitae Variant Classification Sherloc (09022015). Collection method: clinical testing. Allele origin: germline.
Comment: This sequence change replaces arginine, which is basic and polar, with glutamine, which is neutral and polar, at codon 1412 of the ATR protein (p.Arg1412Gln). This variant is present in population databases (rs371292374, gnomAD 0.01%). This variant has not been reported in the literature in individuals affected with ATR-related conditions. ClinVar contains an entry for this variant (Variation ID: 1413969). An algorithm developed to predict the effect of missense changes on protein structure and function (PolyPhen-2) suggests that this variant is likely to be disruptive. In summary, the available evidence is currently insufficient to determine the role of this variant in disease. Therefore, it has been classified as a Variant of Uncertain Significance.

Ambry Genetics
Classification: Uncertain significance for Inborn genetic diseases. Last evaluated: 2023-06-21. Review status: criteria provided, single submitter. Criteria: Ambry Variant Classification Scheme 2023. Collection method: clinical testing. Allele origin: germline.